The following is an entry in ClinVar:

ClinVar aggregate classification (germline): Uncertain significance. Review status: criteria provided, multiple submitters, no conflicts (2 of 4 stars). 5 submissions from 5 submitters: Uncertain significance (3). 2 of the submissions do not count toward it. Last evaluated 2025-04-30.

Conditions:
Brugada syndrome. Also called: Sudden unexpected nocturnal death syndrome; Sudden Unexplained Death Syndrome; Sudden Unexplained Nocturnal Death Syndrome (SUNDS); Sudden unexplained nocturnal death syndrome. Identifiers: Orphanet 130, MedGen C1142166, MONDO:0015263.
Cardiovascular phenotype. Identifiers: MedGen CN230736.

Allele frequency attached by ClinVar (database versions not stated): TOPMed 0.00006; ExAC 0.00008; ESP Exome Variant Server 0.00008; gnomAD 0.00009 and 0.00011; gnomAD exomes 0.00009 and 0.00017; 1000 Genomes Project 0.00020; 1000 Genomes Project 30x 0.00031.
gnomAD v4.1: 251 of 1,599,096 alleles (0.016%); highest among the groups gnomAD compares: Non-Finnish European, 0.02%; no homozygotes.

Submissions (5):

Labcorp Genetics (formerly Invitae), Labcorp
Classification: Uncertain significance for Brugada syndrome. Last evaluated: 2025-04-30. Review status: criteria provided, single submitter. Criteria: Invitae Variant Classification Sherloc (09022015). Collection method: clinical testing. Allele origin: germline.
Comment: This sequence change replaces lysine, which is basic and polar, with glutamic acid, which is acidic and polar, at codon 356 of the CACNA2D1 protein (p.Lys356Glu). This variant is present in population databases (rs201682618, gnomAD 0.02%). This variant has not been reported in the literature in individuals affected with CACNA2D1-related conditions. ClinVar contains an entry for this variant (Variation ID: 372941). An algorithm developed to predict the effect of missense changes on protein structure and function (PolyPhen-2) suggests that this variant is likely to be disruptive. In summary, the available evidence is currently insufficient to determine the role of this variant in disease. Therefore, it has been classified as a Variant of Uncertain Significance.

Ambry Genetics
Classification: Uncertain significance for Cardiovascular phenotype. Last evaluated: 2024-08-15. Review status: criteria provided, single submitter. Criteria: Ambry Variant Classification Scheme 2023. Collection method: clinical testing. Allele origin: germline.
Comment: The p.K356E variant (also known as c.1066A>G), located in coding exon 12 of the CACNA2D1 gene, results from an A to G substitution at nucleotide position 1066. The lysine at codon 356 is replaced by glutamic acid, an amino acid with similar properties. This amino acid position is conserved. In addition, this alteration is predicted to be deleterious by in silico analysis. The evidence for this gene-disease relationship is limited; therefore, the clinical significance of this alteration is unclear.

GeneDx
Classification: Uncertain significance. Last evaluated: 2020-11-16. Review status: criteria provided, single submitter. Criteria: GeneDx Variant Classification Process June 2021. Collection method: clinical testing. Allele origin: germline. Affected: yes.
Comment: Has not been previously published as pathogenic or benign to our knowledge; In silico analysis, which includes protein predictors and evolutionary conservation, supports that this variant does not alter protein structure/function; Reported in ClinVar as a variant of uncertain significance (ClinVar Variant ID#372941; Landrum et al., 2016)

Clinical Genetics, Academic Medical Center
Classification: Uncertain significance. Review status: no assertion criteria provided. Collection method: clinical testing. Allele origin: germline. Affected: yes. Study: VKGL Data-share Consensus. Not counted in ClinVar's aggregate classification.

Genome Diagnostics Laboratory, University Medical Center Utrecht
Classification: Uncertain significance. Review status: no assertion criteria provided. Collection method: clinical testing. Allele origin: germline. Affected: yes. Study: VKGL Data-share Consensus. Not counted in ClinVar's aggregate classification.

NM_000722.4(CACNA2D1):c.1066A>G (p.Lys356Glu)

Gene: CACNA2D1 (calcium voltage-gated channel auxiliary subunit alpha2delta 1; minus strand). Cytogenetic location: 7q21.11.
Variant type: single nucleotide variant.
Coding change: c.1066A>G on transcript NM_000722.4 (MANE Select); coding-DNA position 1066, A replaced by G.
Protein change: p.Lys356Glu; replaces lysine 356 with glutamic acid.
Molecular consequence: missense variant.
Genome position (GRCh38, 1-based): chr7:82,032,874, T>C on the plus strand (A>G on the coding strand, the complement: CACNA2D1 is on the minus strand). VCF-style: chr7-82032874-T-C. GRCh37 (hg19) VCF-style: chr7-81662190-T-C.
Other names: c.1066A>G (LRG_437t1); c.1066A>G, p.Lys356Glu (NM_001366867.1); short protein forms K356E.
Identifiers: ClinVar variation 372941 (VCV000372941.13), dbSNP rs201682618, ClinGen allele CA4318141.